The following is an entry in ClinVar:

ClinVar aggregate classification (germline): Pathogenic (1 of 4 stars; one submission).

Conditions:
Maple syrup urine disease (MSUD). Identifiers: Orphanet 511, MedGen C0024776, MeSH D008375, MONDO:0009563. Disease mechanism: loss of function.

Allele frequency attached by ClinVar (database versions not stated): gnomAD exomes below 0.00001.

Submission:

Labcorp Genetics (formerly Invitae), Labcorp
Classification: Pathogenic for Maple syrup urine disease. Last evaluated: 2020-12-04. Review status: criteria provided, single submitter. Criteria: Invitae Variant Classification Sherloc (09022015). Collection method: clinical testing. Allele origin: germline.
Comment: For these reasons, this variant has been classified as Pathogenic. This variant has not been reported in the literature in individuals with DBT-related conditions. This variant is not present in population databases (ExAC no frequency). This sequence change creates a premature translational stop signal (p.Met6Ilefs*23) in the DBT gene. It is expected to result in an absent or disrupted protein product. Loss-of-function variants in DBT are known to be pathogenic (PMID: 16579849, 16786533).

Literature cited by the submitters: PubMed 16579849; PubMed 16786533.

NM_001918.5(DBT):c.17dup (p.Met6fs)

Gene: DBT (dihydrolipoamide branched chain transacylase E2; minus strand). Cytogenetic location: 1p21.2.
Variant type: Duplication.
Coding change: c.17dup on transcript NM_001918.5 (MANE Select); coding-DNA position 17, one base duplicated (T; older notation c.17dupT).
Protein change: p.Met6fs; shifts the reading frame from methionine 6.
Molecular consequence: frameshift variant.
Genome position (GRCh38, 1-based): chr1:100,249,804, A duplicated on the plus strand (T on the coding strand, the reverse complement: DBT is on the minus strand). VCF-style (leftmost placement, unchanged base first): chr1-100249803-C-CA. GRCh37 (hg19) VCF-style: chr1-100715359-C-CA.
Other names: short protein forms M6fs.
Identifiers: ClinVar variation 1434529 (VCV001434529.7), dbSNP rs2100772715, ClinGen allele CA2573130839.